The following is an entry in ClinVar:

ClinVar aggregate classification (germline): Likely benign (1 of 4 stars; one submission).

Allele frequency attached by ClinVar (database versions not stated): 1000 Genomes Project 0.00020; ESP Exome Variant Server 0.00023; 1000 Genomes Project 30x 0.00031; gnomAD exomes 0.00032 and 0.00175; gnomAD 0.00065; ExAC 0.00086; TOPMed 0.00151.
gnomAD v4.1: 559 of 1,563,946 alleles (0.036%); highest among the groups gnomAD compares: Admixed American, 0.93%; 4 homozygotes.

Submission:

GeneDx
Classification: Likely benign. Last evaluated: 2018-06-16. Review status: criteria provided, single submitter. Criteria: GeneDx Variant Classification (06012015). Collection method: clinical testing. Allele origin: germline. Affected: yes.
Comment: This variant is considered likely benign or benign based on one or more of the following criteria: it is a conservative change, it occurs at a poorly conserved position in the protein, it is predicted to be benign by multiple in silico algorithms, and/or has population frequency not consistent with disease.

NM_001130987.2(DYSF):c.1806+29G>A

Gene: DYSF (dysferlin; plus strand). Cytogenetic location: 2p13.2.
Variant type: single nucleotide variant.
Coding change: c.1806+29G>A on transcript NM_001130987.2 (MANE Select); 29 bases into the intron after coding-DNA position 1806, G replaced by A.
Molecular consequence: intron variant.
Genome position (GRCh38, 1-based): chr2:71,551,749, G>A. VCF-style: chr2-71551749-G-A. GRCh37 (hg19) VCF-style: chr2-71778879-G-A.
Other names: c.1845+29G>A (NM_001130979.2); c.1803+29G>A (NM_001130981.2, NM_001130980.2); c.1752+29G>A (NM_001130978.2, NM_003494.4); c.1710+29G>A (NM_001130977.2, NM_001130976.2); c.1848+29G>A (NM_001130982.2); c.1806+29G>A (NM_001130985.2); c.1755+29G>A (NM_001130983.2, NM_001130455.2); c.1713+29G>A (NM_001130984.2, NM_001130986.2).
Identifiers: ClinVar variation 681749 (VCV000681749.1), dbSNP rs192462247, ClinGen allele CA1705939.